The following is an entry in ClinVar:

ClinVar aggregate classification (germline): Conflicting classifications of pathogenicity. Review status: criteria provided, conflicting classifications (1 of 4 stars). 9 submissions from 9 submitters: Likely pathogenic (3); Uncertain significance (5). 1 of the submissions does not count toward it. Last evaluated 2025-09-22.

Conditions:
Pendred syndrome (PDS). Also called: Pendred's syndrome; Pendred Syndrome (PDS); THYROID DYSHORMONOGENESIS 2B; THYROID HORMONOGENESIS, GENETIC DEFECT IN, 2B; DEAFNESS WITH GOITER; GOITER-DEAFNESS SYNDROME. Identifiers: Orphanet 705, MedGen C0271829, MONDO:0010134, OMIM 274600.
Autosomal recessive nonsyndromic hearing loss 4 (DFNB4). Also called: DEAFNESS, AUTOSOMAL RECESSIVE 4, WITH ENLARGED VESTIBULAR AQUEDUCT, DIGENIC; Enlarged vestibular aqueduct, digenic; FOXI1-Related Pendred Syndrome; KCNJ10-Related Pendred Syndrome; NEUROSENSORY NONSYNDROMIC RECESSIVE DEAFNESS 4; Deafness, autosomal recessive 4. Identifiers: Orphanet 90636, MedGen C3538946, MONDO:0010933, OMIM 600791.

Allele frequency attached by ClinVar (database versions not stated): gnomAD 0.00001 and 0.00002; ExAC 0.00002; TOPMed 0.00001; gnomAD exomes 0.00002 and 0.00003.

Submissions (9):

Myriad Genetics, Inc.
Classification: Uncertain significance for Pendred syndrome. Last evaluated: 2025-09-22. Review status: criteria provided, single submitter. Criteria: Myriad Autosomal Dominant, Autosomal Recessive and X-Linked Classification Criteria (2023). Collection method: clinical testing. Allele origin: unknown.
Comment: NM_000441.1(SLC26A4):c.1678G>A(D560N) is a missense variant classified as a variant of uncertain significance in the context of Pendred syndrome. D560N has been observed in cases with relevant disease (PMID: 36633841, 23185506, 27246798). Relevant functional assessments of this variant are not available in the literature. D560N has been observed in referenced population frequency databases. In summary, there is insufficient evidence to classify NM_000441.1(SLC26A4):c.1678G>A(D560N) as pathogenic or benign. Please note: this variant was assessed in the context of healthy population screening.

Wonkam Laboratory, Johns Hopkins University
Classification: Likely pathogenic for Autosomal recessive nonsyndromic hearing loss 4. Last evaluated: 2024-01-06. Review status: criteria provided, single submitter. Criteria: ACMG Guidelines, 2015. Collection method: research. Allele origin: germline. Inheritance: Autosomal recessive inheritance. Affected: yes. Observed: 2 variant alleles.
Comment: This variant SLC26A4 c.1678G>A (NM_000441.1) is absent from controls (or at extremely low frequency if recessive) in Exome Sequencing Project, 1000 Genomes Project, or Exome Aggregation Consortium (PM2), Multiple lines of computational evidence support a deleterious effect on the gene or gene product (conservation, evolutionary, splicing impact, etc.) (PP3), Patient's phenotype or family history is highly specific for a disease with a single genetic etiology (PP4)

Women's Health and Genetics/Laboratory Corporation of America, LabCorp
Classification: Uncertain significance. Last evaluated: 2023-04-27. Review status: criteria provided, single submitter. Criteria: LabCorp Variant Classification Summary - May 2015. Collection method: clinical testing. Allele origin: germline.
Comment: Variant summary: SLC26A4 c.1678G>A (p.Asp560Asn) results in a conservative amino acid change located in the STAS domain (IPR002645) of the encoded protein sequence. Four of five in-silico tools predict a damaging effect of the variant on protein function. The variant allele was found at a frequency of 2.4e-05 in 250728 control chromosomes. The available data on variant occurrences in the general population are insufficient to allow any conclusion about variant significance. c.1678G>A has been reported in the literature as a causative variant in compound heterozygosity with another causative variant in at-least one index case affected with hearing loss from a family history of three affected individuals. However, the genotyping of the additional individuals is not specified. It has also been reported as a non-informative genotype (second allele not specified) in another family. These data do not allow any conclusion about variant significance (example, Yuan_2012, Lebeko_2016 cited in Wonkam_2021). To our knowledge, no experimental evidence demonstrating an impact on protein function has been reported. The following publications have been ascertained in the context of this evaluation (PMID: 23838540, 27246798, 33528103, 23185506). Four clinical diagnostic laboratories have submitted clinical-significance assessments for this variant to ClinVar after 2014 (VUS, n=3; LP, n=1). Based on the evidence outlined above, the variant was classified as uncertain significance.

King Laboratory, University of Washington
Classification: Likely pathogenic for Deafness, autosomal recessive 4. Last evaluated: 2023-02-28. Review status: criteria provided, single submitter. Criteria: Li et al. (Genet Med. 2022). Collection method: research. Allele origin: unknown. Affected: yes.
Comment: This variant is a missense at a highly conserved site and is predicted to be damaging by multiple in-silico tools. As of January 2023, this variant has been reported previously in an individual with hearing loss and is currently classified as a variant of unknown significance on ClinVar, and it is found in 6 heterozygous individuals on gnomAD. Based on compound heterozygosity with a loss-of-function variant, consistently predicted functional effect, and goodness of fit of genotype to phenotype, we conclude that this variant is likely pathogenic.

Fulgent Genetics
Classification: Uncertain significance for Pendred syndrome; Autosomal recessive nonsyndromic hearing loss 4. Last evaluated: 2022-01-18. Review status: criteria provided, single submitter. Criteria: ACMG Guidelines, 2015. Collection method: clinical testing. Allele origin: unknown.

Molecular Diagnostics Lab, Nemours Children's Health, Delaware
Classification: Uncertain significance for Pendred syndrome. Last evaluated: 2020-05-06. Review status: criteria provided, single submitter. Criteria: ACMG Guidelines, 2015. Collection method: clinical testing. Allele origin: unknown. Inheritance: Autosomal recessive inheritance. Affected: yes. Observed: 1 variant allele.

Laboratory for Molecular Medicine, Mass General Brigham Personalized Medicine
Classification: Uncertain significance. Last evaluated: 2015-05-28. Review status: criteria provided, single submitter. Criteria: LMM Criteria. Collection method: clinical testing. Allele origin: germline. Observed: 1 variant allele.
Comment: However, information was not provided r egarding if this individual had a second SLC26A4 variant or temporal bone abnorm alities consistent with SLC26A4-related hearing loss. This variant was also iden tified in 3/120123 chromosomes by the Exome Aggregation Consortium (ExAC). Although this variant has been seen in the general po pulation, its frequency is low enough to be consistent with a recessive carrier frequency. Computational prediction tools and conservation analyses suggest that the Asp560Asn variant may impact the protein, though this information is not pr edictive enough to determine pathogenicity. In summary, the clinical significanc e of the Asp560Asn variant is uncertain.

Kariminejad - Najmabadi Pathology & Genetics Center
Classification: Likely pathogenic for Pendred syndrome. Review status: criteria provided, single submitter. Criteria: ACMG Guidelines, 2015. Collection method: clinical testing. Allele origin: germline. Affected: no.

Natera, Inc.
Classification: Uncertain significance for Pendred syndrome. Last evaluated: 2021-05-12. Review status: no assertion criteria provided. Collection method: clinical testing. Allele origin: germline. Not counted in ClinVar's aggregate classification.

Literature cited by the submitters: PubMed 23185506 (cited by 3 submitters); PubMed 27246798 (cited by Myriad Genetics, Inc. and Women's Health and Genetics/Laboratory Corporation of America, LabCorp); PubMed 36633841 (cited by Myriad Genetics, Inc. and King Laboratory, University of Washington); PubMed 33528103 (cited by Women's Health and Genetics/Laboratory Corporation of America, LabCorp); PubMed 23838540 (cited by Women's Health and Genetics/Laboratory Corporation of America, LabCorp).

NM_000441.2(SLC26A4):c.1678G>A (p.Asp560Asn)

Gene: SLC26A4 (solute carrier family 26 member 4; plus strand). Cytogenetic location: 7q22.3.
Variant type: single nucleotide variant.
Coding change: c.1678G>A on transcript NM_000441.2 (MANE Select); coding-DNA position 1678, G replaced by A.
Protein change: p.Asp560Asn; replaces aspartic acid 560 with asparagine.
Molecular consequence: missense variant.
Genome position (GRCh38, 1-based): chr7:107,700,146, G>A. VCF-style: chr7-107700146-G-A. GRCh37 (hg19) VCF-style: chr7-107340591-G-A.
Other names: short protein forms D560N.
Identifiers: ClinVar variation 229254 (VCV000229254.14), dbSNP rs759360026, ClinGen allele CA4432908.